The following is an entry in ClinVar:

NM_152564.5(VPS13B):c.10189del (p.Cys3397fs)

Gene: VPS13B (vacuolar protein sorting 13 homolog B; plus strand). Cytogenetic location: 8q22.2.
Variant type: Deletion.
Coding change: c.10189del on transcript NM_152564.5 (MANE Select); coding-DNA position 10189, one base deleted (T; older notation c.10189delT).
Protein change: p.Cys3397fs; shifts the reading frame from cysteine 3397.
Molecular consequence: frameshift variant.
Genome position (GRCh38, 1-based): chr8:99,853,578, T deleted. VCF-style (leftmost placement, unchanged base first): chr8-99853577-CT-C. GRCh37 (hg19) VCF-style: chr8-100865805-CT-C.
Other names: c.10264del, p.Cys3422fs (NM_017890.5); short protein forms C3397fs, C3422fs.
Identifiers: ClinVar variation 2163453 (VCV002163453.4), dbSNP rs777336157, ClinGen allele CA4824907.

ClinVar aggregate classification (germline): Pathogenic (1 of 4 stars; one submission).

Conditions:
Cohen syndrome (COH1). Also called: Cutis verticis gyrata, retinitis pigmentosa, and sensorineural deafness; PEPPER SYNDROME. Identifiers: Orphanet 193, MedGen C0265223, MONDO:0008999, OMIM 216550.

Allele frequency attached by ClinVar (database versions not stated): gnomAD 0.00001; ExAC 0.00002; TOPMed 0.00002; ESP Exome Variant Server 0.00008.

Submission:

Labcorp Genetics (formerly Invitae), Labcorp
Classification: Pathogenic for Cohen syndrome. Last evaluated: 2024-05-23. Review status: criteria provided, single submitter. Criteria: Invitae Variant Classification Sherloc (09022015). Collection method: clinical testing. Allele origin: germline.
Comment: This sequence change creates a premature translational stop signal (p.Cys3422Valfs*33) in the VPS13B gene. It is expected to result in an absent or disrupted protein product. Loss-of-function variants in VPS13B are known to be pathogenic (PMID: 15141358, 16648375, 20461111). This variant is present in population databases (rs777336157, gnomAD 0.02%). This variant has not been reported in the literature in individuals affected with VPS13B-related conditions. ClinVar contains an entry for this variant (Variation ID: 2163453). For these reasons, this variant has been classified as Pathogenic.

Literature cited by the submitters: PubMed 15141358; PubMed 16648375; PubMed 20461111.